The following is an entry in ClinVar:

ClinVar aggregate classification (germline): Conflicting classifications of pathogenicity. Review status: criteria provided, conflicting classifications (1 of 4 stars). 8 submissions from 8 submitters: Uncertain significance (1); Benign (3); Likely benign (4). Last evaluated 2026-08-01.

Conditions:
Inborn genetic diseases. Identifiers: MedGen C0950123, MeSH D030342.

Allele frequency attached by ClinVar (database versions not stated): gnomAD 0.00136 and 0.00158; TOPMed 0.00140; ESP Exome Variant Server 0.00150; gnomAD exomes 0.00191 and 0.00248; ExAC 0.00266; 1000 Genomes Project 30x 0.00281; 1000 Genomes Project 0.00339.
gnomAD v4.1: 3,052 of 1,610,908 alleles (0.19%); highest among the groups gnomAD compares: Middle Eastern, 1%; 17 homozygotes.

Submissions (8):

CeGaT Center for Human Genetics Tuebingen
Classification: Likely benign. Last evaluated: 2026-08-01. Review status: criteria provided, single submitter. Criteria: CeGaT Center For Human Genetics Tuebingen Variant Classification Criteria Version 2. Collection method: clinical testing. Allele origin: germline. Affected: yes. Observed: 5 variant alleles.
Comment: OTOGL: BS2

Labcorp Genetics (formerly Invitae), Labcorp
Classification: Benign. Last evaluated: 2026-01-26. Review status: criteria provided, single submitter. Criteria: Invitae Variant Classification Sherloc (09022015). Collection method: clinical testing. Allele origin: germline.

Genomic Medicine Center of Excellence, King Faisal Specialist Hospital and Research Centre
Classification: Likely benign. Last evaluated: 2025-08-18. Review status: criteria provided, single submitter. Criteria: ACMG Guidelines, 2015. Collection method: clinical testing. Allele origin: germline.

Ambry Genetics
Classification: Uncertain significance for Inborn genetic diseases. Last evaluated: 2021-08-10. Review status: criteria provided, single submitter. Criteria: Ambry Variant Classification Scheme 2023. Collection method: clinical testing. Allele origin: germline.

GeneDx
Classification: Benign. Last evaluated: 2019-04-18. Review status: criteria provided, single submitter. Criteria: GeneDx Variant Classification Process June 2021. Collection method: clinical testing. Allele origin: germline. Affected: yes.

Genomic Diagnostic Laboratory, Division of Genomic Diagnostics, Children's Hospital of Philadelphia
Classification: Likely benign. Last evaluated: 2015-08-24. Review status: criteria provided, single submitter. Criteria: DGD Variant Analysis Guidelines. Collection method: clinical testing. Allele origin: unknown.

Laboratory for Molecular Medicine, Mass General Brigham Personalized Medicine
Classification: Benign. Last evaluated: 2015-04-16. Review status: criteria provided, single submitter. Criteria: LMM Criteria. Collection method: clinical testing. Allele origin: germline. Observed: 6 variant alleles.
Comment: p.Pro655Ser in exon 18 of OTOGL: This variant is not expected to have clinical s ignificance because it has been identified in 0.9% (149/16498) of South Asian ch romosomes including 2 homozygotes by the Exome Aggregation Consortium (ExAC; dbSNP rs76420383).

Breakthrough Genomics
Classification: Likely benign. Review status: criteria provided, single submitter. Criteria: ACMG Guidelines, 2015. Collection method: not provided. Allele origin: germline. Inheritance: Autosomal recessive inheritance. Affected: yes.

NM_001378609.3(OTOGL):c.1990C>T (p.Pro664Ser)

Gene: OTOGL (otogelin like; plus strand). Cytogenetic location: 12q21.31.
Variant type: single nucleotide variant.
Coding change: c.1990C>T on transcript NM_001378609.3 (MANE Select); coding-DNA position 1990, C replaced by T.
Protein change: p.Pro664Ser; replaces proline 664 with serine.
Molecular consequence: missense variant.
Genome position (GRCh38, 1-based): chr12:80,262,069, C>T. VCF-style: chr12-80262069-C-T. GRCh37 (hg19) VCF-style: chr12-80655849-C-T.
Other names: c.1963C>T (NM_173591.5); c.1990C>T, p.Pro664Ser (NM_001368062.3, NM_001378610.3, NM_173591.7); short protein forms P655S, P664S.
Identifiers: ClinVar variation 226931 (VCV000226931.41), dbSNP rs76420383, ClinGen allele CA6700638.